The following is an entry in ClinVar:

ClinVar aggregate classification (germline): Uncertain significance (1 of 4 stars; one submission).

Conditions:
Cardiomyopathy (CMYO). Also called: Cardiomyopathies. Identifiers: Orphanet 167848, MedGen C0878544, MONDO:0004994, HP:0001638. Inheritance: Various modes of inheritance.

Submission:

Color Diagnostics, LLC DBA Color Health
Classification: Uncertain significance for Cardiomyopathy. Last evaluated: 2023-12-04. Review status: criteria provided, single submitter. Criteria: ACMG Guidelines, 2015. Collection method: clinical testing. Allele origin: germline.
Comment: This missense variant replaces serine with asparagine at codon 3497 of the RYR2 protein. Computational prediction tools and conservation analyses are inconclusive regarding the impact of this variant on the protein function. Computational splicing tools suggest that this variant may not impact RNA splicing. To our knowledge, functional assays have not been performed for this variant nor has this variant been reported in individuals affected with cardiovascular disorders in the literature. This variant has not been identified in the general population by the Genome Aggregation Database (gnomAD). Available evidence is insufficient to determine the role of this variant in disease conclusively. Therefore, this variant is classified as a Variant of Uncertain Significance.

NM_001035.3(RYR2):c.10490G>A (p.Ser3497Asn)

Gene: RYR2 (ryanodine receptor 2; plus strand). Cytogenetic location: 1q43.
Variant type: single nucleotide variant.
Coding change: c.10490G>A on transcript NM_001035.3 (MANE Select); coding-DNA position 10490, G replaced by A.
Protein change: p.Ser3497Asn; replaces serine 3497 with asparagine.
Molecular consequence: missense variant.
Genome position (GRCh38, 1-based): chr1:237,717,364, G>A. VCF-style: chr1-237717364-G-A. GRCh37 (hg19) VCF-style: chr1-237880664-G-A.
Other names: short protein forms S3497N.
Identifiers: ClinVar variation 927209 (VCV000927209.5), dbSNP rs1689350944, ClinGen allele CA345414941.
Genomic context (GRCh38, chr1:237,717,364, plus strand): 5'-GGTTGAACATCTGTGCCCCTGGGGACCAGGAGCTCATTGCTCTGGCCAAAAATCGATTTA[G>A]CCTGGTAAGTCTCCTTTTCATCCCAGCGGTAATGATCATCTGACCTCCAGACTCTCAGTG-3'
Protein context (NP_001026.2, residues 3487-3507): ELIALAKNRF[Ser3497Asn]LKDTEDEVRD